The following is an entry in ClinVar:

NM_006269.2(RP1):c.2602del (p.Ser868fs)

Gene: RP1 (RP1 axonemal microtubule associated; plus strand). Cytogenetic location: 8q12.1.
Variant type: Deletion.
Coding change: c.2602del on transcript NM_006269.2 (MANE Select); coding-DNA position 2602, one base deleted (A; older notation c.2602delA).
Protein change: p.Ser868fs; shifts the reading frame from serine 868.
Molecular consequence: frameshift variant. On other transcripts: intron variant (1).
Genome position (GRCh38, 1-based): chr8:54,626,484, A deleted; the last of 5 consecutive A bases (chr8:54,626,480-54,626,484); deleting any one gives the same sequence. VCF-style (leftmost placement, unchanged base first): chr8-54626479-TA-T. GRCh37 (hg19) VCF-style: chr8-55539039-TA-T.
Other names: p.Ser868Alafs*10; c.787+4196del (NM_001375654.1); short protein forms S868fs.
Identifiers: ClinVar variation 4733456 (VCV004733456.2).

ClinVar aggregate classification (germline): Pathogenic/Likely pathogenic. Review status: criteria provided, multiple submitters, no conflicts (2 of 4 stars). 2 submissions from 2 submitters: Pathogenic (1); Likely pathogenic (1). Last evaluated 2026-10-19.

Conditions:
RP1-related recessive retinopathy. Identifiers: MedGen CN322605, MONDO:0800399.

Submissions (2):

Department of Ophthalmology, Seoul National University Bundang Hospital
Classification: Likely pathogenic for RP1-related recessive retinopathy. Last evaluated: 2026-10-19. Review status: criteria provided, single submitter. Criteria: ACMG Guidelines, 2015. Collection method: clinical testing. Allele origin: germline. Inheritance: Autosomal recessive inheritance. Affected: yes.
Comment: Frameshift variant in exon 4, within the dominant cluster. Identified in a Korean multicenter RP1 cohort (PMID:42847597) only in the biallelic state, with recessive retinitis pigmentosa. ACMG/AMP criteria: PVS1, PM2.

Labcorp Genetics (formerly Invitae), Labcorp
Classification: Pathogenic. Last evaluated: 2025-12-16. Review status: criteria provided, single submitter. Criteria: Invitae Variant Classification Sherloc (09022015). Collection method: clinical testing. Allele origin: germline.
Comment: This sequence change creates a premature translational stop signal (p.Ser868Alafs*10) in the RP1 gene. While this is not anticipated to result in nonsense mediated decay, it is expected to disrupt the last 1289 amino acid(s) of the RP1 protein. This variant is not present in population databases (gnomAD no frequency). This variant has not been reported in the literature in individuals affected with RP1-related conditions. This variant disrupts the C-terminus of the RP1 protein. Many variants that disrupt this region have been reported in individuals with either autosomal dominant or autosomal recessive retinitis pigmentosa (PMID: 11527933, 19933189, 29425069, 30027431, 33681214). Therefore, variants that disrupt this region are expected to be disease-causing. For these reasons, this variant has been classified as Pathogenic.

Literature cited by the submitters: PubMed 42847597 (cited by Department of Ophthalmology, Seoul National University Bundang Hospital); PubMed 11527933 (cited by Labcorp Genetics (formerly Invitae), Labcorp); PubMed 19933189 (cited by Labcorp Genetics (formerly Invitae), Labcorp); PubMed 29425069 (cited by Labcorp Genetics (formerly Invitae), Labcorp); PubMed 30027431 (cited by Labcorp Genetics (formerly Invitae), Labcorp); PubMed 33681214 (cited by Labcorp Genetics (formerly Invitae), Labcorp).